The following is an entry in ClinVar:

ClinVar aggregate classification (germline): Uncertain significance. Review status: criteria provided, multiple submitters, no conflicts (2 of 4 stars). 2 submissions from 2 submitters: Uncertain significance (2). Last evaluated 2024-03-25.

Conditions:
Familial adenomatous polyposis 1 (FAP1). Also called: POLYPOSIS, ADENOMATOUS INTESTINAL; FAMILIAL ADENOMATOUS POLYPOSIS 1, ATTENUATED. Identifiers: MedGen C2713442, MONDO:0021056, OMIM 175100. Disease mechanism: loss of function.
Classic or attenuated familial adenomatous polyposis. Identifiers: MedGen CN372698, MONDO:0021057.

Submissions (2):

Labcorp Genetics (formerly Invitae), Labcorp
Classification: Uncertain significance for Familial adenomatous polyposis 1. Last evaluated: 2024-03-25. Review status: criteria provided, single submitter. Criteria: Invitae Variant Classification Sherloc (09022015). Collection method: clinical testing. Allele origin: germline.
Comment: This sequence change replaces leucine, which is neutral and non-polar, with proline, which is neutral and non-polar, at codon 2839 of the APC protein (p.Leu2839Pro). This variant is not present in population databases (gnomAD no frequency). This variant has not been reported in the literature in individuals affected with APC-related conditions. Advanced modeling of protein sequence and biophysical properties (such as structural, functional, and spatial information, amino acid conservation, physicochemical variation, residue mobility, and thermodynamic stability) performed at Invitae indicates that this missense variant is not expected to disrupt APC protein function with a negative predictive value of 95%. In summary, the available evidence is currently insufficient to determine the role of this variant in disease. Therefore, it has been classified as a Variant of Uncertain Significance.

All of Us Research Program, National Institutes of Health
Classification: Uncertain significance for Classic or attenuated familial adenomatous polyposis. Last evaluated: 2023-06-26. Review status: criteria provided, single submitter. Criteria: ACMG Guidelines, 2015. Collection method: clinical testing. Allele origin: germline. Inheritance: Autosomal dominant inheritance. Observed: 1 variant allele, 1 heterozygote.
Comment: This missense variant replaces leucine with proline at codon 2839 of the APC protein. Computational prediction suggests that this variant may have deleterious impact on protein structure and function (internally defined REVEL score threshold >= 0.7, PMID: 27666373). To our knowledge, functional studies have not been reported for this variant. This variant has not been reported in individuals affected with APC-related disorders in the literature. This variant has not been identified in the general population by the Genome Aggregation Database (gnomAD). The available evidence is insufficient to determine the role of this variant in disease conclusively. Therefore, this variant is classified as a Variant of Uncertain Significance.

This study involves interpretation of variants in research participants for the purpose of population health screening. Participant phenotype was not available at the time of variant classification. Additional details can be found in publication PMID: 35346344, PMCID: PMC8962531

NM_000038.6(APC):c.8516T>C (p.Leu2839Pro)

Gene: APC (APC regulator of Wnt signaling pathway; plus strand). Cytogenetic location: 5q22.2.
Variant type: single nucleotide variant.
Coding change: c.8516T>C on transcript NM_000038.6 (MANE Select); coding-DNA position 8516, T replaced by C.
Protein change: p.Leu2839Pro; replaces leucine 2839 with proline.
Molecular consequence: missense variant. On other transcripts: non-coding transcript variant (2).
Genome position (GRCh38, 1-based): chr5:112,844,110, T>C. VCF-style: chr5-112844110-T-C. GRCh37 (hg19) VCF-style: chr5-112179807-T-C.
Other names: c.8516T>C, p.Leu2839Pro (NM_001127510.3, NM_001354895.2, NM_001407450.1); c.8462T>C, p.Leu2821Pro (NM_001127511.3); c.8570T>C, p.Leu2857Pro (NM_001354896.2, NM_001407447.1, NM_001407448.1 and 1 more transcripts); c.8546T>C, p.Leu2849Pro (NM_001354897.2); c.8441T>C, p.Leu2814Pro (NM_001354898.2); c.8432T>C, p.Leu2811Pro (NM_001354899.2); c.8393T>C, p.Leu2798Pro (NM_001354900.2); c.8339T>C, p.Leu2780Pro (NM_001354901.2, NM_001407453.1); and 11 more; short protein forms L2455P, L2556P, L2679P, L2710P, L2713P, L2738P, L2748P, L2756P.
Identifiers: ClinVar variation 3072263 (VCV003072263.3), dbSNP rs1766769078, ClinGen allele CA16039802.
Genomic context (GRCh38, chr5:112,844,110, plus strand): 5'-AAACTGACAGCACAGAATCCAGTGGAACCCAAAGTCCTAAGCGCCATTCTGGGTCTTACC[T>C]TGTGACATCTGTTTAAAAGAGAGGAAGAATGAAACTAAGAAAATTCTATGTTAATTACAA-3'
Protein context (NP_000029.2, residues 2829-2843): QSPKRHSGSY[Leu2839Pro]VTSV